The following is an entry in ClinVar:

NM_000528.4(MAN2B1):c.2534_2558del (p.Leu845fs)

Gene: MAN2B1 (mannosidase alpha class 2B member 1; minus strand). Cytogenetic location: 19p13.13.
Variant type: Deletion.
Coding change: c.2534_2558del on transcript NM_000528.4 (MANE Select); coding-DNA positions 2534 to 2558, 25 bases deleted (TGCTGGACACAGCCCAGGCTGCAGC).
Protein change: p.Leu845fs; shifts the reading frame from leucine 845.
Molecular consequence: frameshift variant.
Genome position (GRCh38, 1-based): chr19:12,648,281-12,648,305, GCTGCAGCCTGGGCTGTGTCCAGCA deleted on the plus strand (TGCTGGACACAGCCCAGGCTGCAGC on the coding strand, the reverse complement: MAN2B1 is on the minus strand); deleting any 25 consecutive bases within chr19:12,648,281-12,648,307 gives the same sequence; the c. name uses the placement nearest the transcript's 3' end. VCF-style (leftmost placement, unchanged base first): chr19-12648280-GGCTGCAGCCTGGGCTGTGTCCAGCA-G. GRCh37 (hg19) VCF-style: chr19-12759094-GGCTGCAGCCTGGGCTGTGTCCAGCA-G.
Other names: c.2531_2555del, p.Leu844fs (NM_001173498.2); short protein forms L844fs, L845fs.
Identifiers: ClinVar variation 1070095 (VCV001070095.9), dbSNP rs2145225250, ClinGen allele CA2499225362.

ClinVar aggregate classification (germline): Pathogenic. Review status: criteria provided, multiple submitters, no conflicts (2 of 4 stars). 2 submissions from 2 submitters: Pathogenic (2). Last evaluated 2021-09-05.

Conditions:
Deficiency of alpha-mannosidase (MANSA). Also called: LYSOSOMAL ALPHA-D-MANNOSIDASE DEFICIENCY; Alpha-Mannosidosis; Mannosidosis, alpha-, types I and II. Identifiers: Orphanet 61, MedGen C0024748, MONDO:0009561, OMIM 248500.

Submissions (2):

Genome-Nilou Lab
Classification: Pathogenic for Deficiency of alpha-mannosidase. Last evaluated: 2021-09-05. Review status: criteria provided, single submitter. Criteria: ACMG Guidelines, 2015. Collection method: clinical testing. Allele origin: germline. Affected: no.

Labcorp Genetics (formerly Invitae), Labcorp
Classification: Pathogenic for Deficiency of alpha-mannosidase. Last evaluated: 2020-11-12. Review status: criteria provided, single submitter. Criteria: Invitae Variant Classification Sherloc (09022015). Collection method: clinical testing. Allele origin: germline.
Comment: For these reasons, this variant has been classified as Pathogenic. This variant has not been reported in the literature in individuals with MAN2B1-related conditions. This variant is not present in population databases (ExAC no frequency). This sequence change creates a premature translational stop signal (p.Leu845Profs*71) in the MAN2B1 gene. It is expected to result in an absent or disrupted protein product. Loss-of-function variants in MAN2B1 are known to be pathogenic (PMID: 9915946, 22161967).

Literature cited by the submitters: PubMed 9915946 (cited by Labcorp Genetics (formerly Invitae), Labcorp); PubMed 22161967 (cited by Labcorp Genetics (formerly Invitae), Labcorp).